The following is an entry in ClinVar:

NM_020911.2(PLXNA4):c.5614G>A (p.Asp1872Asn)

Gene: PLXNA4 (plexin A4; minus strand). Cytogenetic location: 7q32.3.
Variant type: single nucleotide variant.
Coding change: c.5614G>A on transcript NM_020911.2 (MANE Select); coding-DNA position 5614, G replaced by A.
Protein change: p.Asp1872Asn; replaces aspartic acid 1872 with asparagine.
Molecular consequence: missense variant.
Genome position (GRCh38, 1-based): chr7:132,130,550, C>T on the plus strand (G>A on the coding strand, the complement: PLXNA4 is on the minus strand). VCF-style: chr7-132130550-C-T. GRCh37 (hg19) VCF-style: chr7-131815309-C-T.
Other names: c.5614G>A, p.Asp1872Asn (NM_001393897.1); short protein forms D1872N.
Identifiers: ClinVar variation 3358142 (VCV003358142.1).
Genomic context (GRCh38, chr7:132,130,550, plus strand): 5'-AGCTCATGAGGGTTATGACTTGTTCTAGTTTGTAGGCCAGTTTCTGCTTCCCACACTGGT[C>T]ATCGTGGTCCAGAGGTCCAAGGATCTGCGGAAGGGCCAAGAACAGGGAGATTACTCATTT-3'
Protein context (NP_065962.1, residues 1862-1882): EEILGPLDHD[Asp1872Asn]QCGKQKLAYK

ClinVar aggregate classification (germline): Uncertain significance (0 of 4 stars; one submission).

Conditions:
PLXNA4-related disorder. Also called: PLXNA4-related condition.

gnomAD v4.1: 64 of 1,613,930 alleles (0.004%); highest among the groups gnomAD compares: Non-Finnish European, 0.0048%; no homozygotes.

Submission:

PreventionGenetics, part of Exact Sciences
Classification: Uncertain significance for PLXNA4-related condition. Last evaluated: 2024-09-19. Review status: no assertion criteria provided. Collection method: clinical testing. Allele origin: germline.
Comment: The PLXNA4 c.5614G>A variant is predicted to result in the amino acid substitution p.Asp1872Asn. To our knowledge, this variant has not been reported in the literature. This variant is reported in 0.0039% of alleles in individuals of European (Non-Finnish) descent in gnomAD. At this time, the clinical significance of this variant is uncertain due to the absence of conclusive functional and genetic evidence.